The following is an entry in ClinVar:

NM_015650.4(TRAF3IP1):c.244A>G (p.Met82Val)

Gene: TRAF3IP1 (TRAF3 interacting protein 1; plus strand). Cytogenetic location: 2q37.3.
Variant type: single nucleotide variant.
Coding change: c.244A>G on transcript NM_015650.4 (MANE Select); coding-DNA position 244, A replaced by G.
Protein change: p.Met82Val; replaces methionine 82 with valine.
Molecular consequence: missense variant.
Genome position (GRCh38, 1-based): chr2:238,325,860, A>G. VCF-style: chr2-238325860-A-G. GRCh37 (hg19) VCF-style: chr2-239234501-A-G.
Other names: c.244A>G, p.Met82Val (NM_001139490.1); c.244A>G (NM_015650.3); short protein forms M82V.
Identifiers: ClinVar variation 1005072 (VCV001005072.9), dbSNP rs562515570, ClinGen allele CA2197993.

ClinVar aggregate classification (germline): Uncertain significance. Review status: criteria provided, multiple submitters, no conflicts (2 of 4 stars). 2 submissions from 2 submitters: Uncertain significance (2). Last evaluated 2025-03-20.

Conditions:
Inborn genetic diseases. Identifiers: MedGen C0950123, MeSH D030342.

Allele frequency attached by ClinVar (database versions not stated): ExAC 0.00001; TOPMed 0.00006; gnomAD exomes 0.00001; 1000 Genomes Project 30x 0.00016; gnomAD 0.00004; 1000 Genomes Project 0.00020.
gnomAD v4.1: 11 of 1,614,238 alleles (0.00068%); highest among the groups gnomAD compares: African/African-American, 0.008%; no homozygotes.

Submissions (2):

Ambry Genetics
Classification: Uncertain significance for Inborn genetic diseases. Last evaluated: 2025-03-20. Review status: criteria provided, single submitter. Criteria: Ambry Variant Classification Scheme 2023. Collection method: clinical testing. Allele origin: germline.

Labcorp Genetics (formerly Invitae), Labcorp
Classification: Uncertain significance. Last evaluated: 2020-02-03. Review status: criteria provided, single submitter. Criteria: Invitae Variant Classification Sherloc (09022015). Collection method: clinical testing. Allele origin: germline.
Comment: In summary, the available evidence is currently insufficient to determine the role of this variant in disease. Therefore, it has been classified as a Variant of Uncertain Significance. Algorithms developed to predict the effect of missense changes on protein structure and function are either unavailable or do not agree on the potential impact of this missense change (SIFT: "Deleterious"; PolyPhen-2: "Benign"; Align-GVGD: "Class C0"). This variant has not been reported in the literature in individuals with TRAF3IP1-related conditions. This variant is present in population databases (rs562515570, ExAC 0.01%). This sequence change replaces methionine with valine at codon 82 of the TRAF3IP1 protein (p.Met82Val). The methionine residue is moderately conserved and there is a small physicochemical difference between methionine and valine.